The following is an entry in ClinVar:

ClinVar aggregate classification (germline): Uncertain significance. Review status: criteria provided, multiple submitters, no conflicts (2 of 4 stars). 2 submissions from 2 submitters: Uncertain significance (2). Last evaluated 2025-11-28.

Conditions:
Developmental and epileptic encephalopathy, 84. Also called: EPILEPTIC ENCEPHALOPATHY, EARLY IFANTILE, 84. Identifiers: MedGen C5394081, MONDO:0032918, OMIM 618792.

gnomAD v4.1: 1 of 1,614,148 alleles (0.000062%); highest among the groups gnomAD compares: East Asian, 0.0022%; no homozygotes.

Submissions (2):

3billion
Classification: Uncertain significance for Developmental and epileptic encephalopathy, 84. Last evaluated: 2025-11-28. Review status: criteria provided, single submitter. Criteria: ACMG Guidelines, 2015. Collection method: clinical testing. Allele origin: germline. Affected: yes.
Comment: The variant is observed at an extremely low frequency in the gnomAD v4.1.0 dataset (total allele frequency: <0.001%). Predicted Consequence/Location: Missense variant In silico tool predictions suggest damaging effect of the variant on gene or gene product [REVEL: 0.68 (>=0.6, sensitivity 0.68 and specificity 0.92); 3Cnet: 0.99 (> 0.75, sensitivity 0.96 and precision 0.92)]. The variant has been reported as of uncertain significance (ClinVar ID: VCV002503352). Therefore, this variant is classified as VUS according to the recommendation of ACMG/AMP guideline.

GeneDx
Classification: Uncertain significance. Last evaluated: 2022-11-25. Review status: criteria provided, single submitter. Criteria: GeneDx Variant Classification Process June 2021. Collection method: clinical testing. Allele origin: germline. Affected: yes.
Comment: Has not been previously published as pathogenic or benign to our knowledge; Not observed at significant frequency in large population cohorts (gnomAD); In silico analysis supports that this missense variant has a deleterious effect on protein structure/function

NM_003359.4(UGDH):c.528C>G (p.Asp176Glu)

Gene: UGDH (UDP-glucose 6-dehydrogenase; minus strand). Cytogenetic location: 4p14.
Variant type: single nucleotide variant.
Coding change: c.528C>G on transcript NM_003359.4 (MANE Select); coding-DNA position 528, C replaced by G.
Protein change: p.Asp176Glu; replaces aspartic acid 176 with glutamic acid.
Molecular consequence: missense variant.
Genome position (GRCh38, 1-based): chr4:39,510,488, G>C on the plus strand (C>G on the coding strand, the complement: UGDH is on the minus strand). VCF-style: chr4-39510488-G-C. GRCh37 (hg19) VCF-style: chr4-39512108-G-C.
Other names: c.327C>G, p.Asp109Glu (NM_001184700.2); c.237C>G, p.Asp79Glu (NM_001184701.2); short protein forms D109E, D176E, D79E.
Identifiers: ClinVar variation 2503352 (VCV002503352.2), dbSNP rs1305524531, ClinGen allele CA356659272.